The following is an entry in ClinVar:

NM_006885.4(ZFHX3):c.5160A>C (p.Ala1720=)

Genes: ZFHX3 (zinc finger homeobox 3; minus strand), ZFHX3-AS1 (ZFHX3 antisense RNA 1; plus strand). Cytogenetic location: 16q22.2.
Variant type: single nucleotide variant.
Coding change: c.5160A>C on transcript NM_006885.4 (MANE Select); coding-DNA position 5160, A replaced by C.
Protein change: p.Ala1720=; no amino-acid change (alanine 1720 retained).
Molecular consequence: synonymous variant.
Genome position (GRCh38, 1-based): chr16:72,797,522, T>G on the plus strand (A>C on the coding strand, the complement: ZFHX3 is on the minus strand). VCF-style: chr16-72797522-T-G. GRCh37 (hg19) VCF-style: chr16-72831421-T-G.
Other names: c.2418A>C, p.Ala806= (NM_001164766.2); c.5160A>C, p.Ala1720= (NM_001386735.1).
Identifiers: ClinVar variation 3049193 (VCV003049193.2), dbSNP rs374866698, ClinGen allele CA8163670.
Genomic context (GRCh38, chr16:72,797,522, plus strand): 5'-TTGTTGTTGTTGTTGTTGTTGTTGTTGCTGTTGCTGCTGCTGTTGTTGCTGCTGCCTGGA[T>G]GCAATCATATCTGCCAGTTTCTTCCGATTGGCCTCTTTGGGCTCTGAAGGGGAAGCAATG-3'
Protein context (NP_008816.3, residues 1710-1730): ANRKKLADMI[Ala1720=]SRQQQQQQQQ

ClinVar aggregate classification (germline): Likely benign (0 of 4 stars; one submission).

Conditions:
ZFHX3-related disorder. Also called: ZFHX3-related condition.

Allele frequency attached by ClinVar (database versions not stated): gnomAD exomes 0.00001; ExAC 0.00002; gnomAD 0.00003; TOPMed 0.00006; ESP Exome Variant Server 0.00008.
gnomAD v4.1: 14 of 1,613,888 alleles (0.00087%); highest among the groups gnomAD compares: African/African-American, 0.0093%; no homozygotes.

Submission:

PreventionGenetics, part of Exact Sciences
Classification: Likely benign for ZFHX3-related condition. Last evaluated: 2023-06-08. Review status: no assertion criteria provided. Collection method: clinical testing. Allele origin: germline.
Comment: This variant is classified as likely benign based on ACMG/AMP sequence variant interpretation guidelines (Richards et al. 2015 PMID: 25741868, with internal and published modifications).